The following is an entry in ClinVar:

NM_001673.5(ASNS):c.434T>A (p.Leu145Ter)

Genes: ASNS (asparagine synthetase (glutamine-hydrolyzing); minus strand), CZ1P-ASNS (CZ1P-ASNS readthrough; minus strand). Cytogenetic location: 7q21.3.
Variant type: single nucleotide variant.
Coding change: c.434T>A on transcript NM_001673.5 (MANE Select); coding-DNA position 434, T replaced by A.
Protein change: p.Leu145Ter; replaces leucine 145 with a stop codon.
Molecular consequence: nonsense. On other transcripts: non-coding transcript variant (1).
Genome position (GRCh38, 1-based): chr7:97,864,312, A>T on the plus strand (T>A on the coding strand, the complement: ASNS is on the minus strand). VCF-style: chr7-97864312-A-T. GRCh37 (hg19) VCF-style: chr7-97493624-A-T.
Other names: c.434T>A, p.Leu145Ter (NM_133436.3, NM_001352496.2, NM_183356.4); c.371T>A, p.Leu124Ter (NM_001178075.2); c.185T>A, p.Leu62Ter (NM_001178076.2, NM_001178077.1); short protein forms L124*, L145*, L62*.
Identifiers: ClinVar variation 843354 (VCV000843354.8), dbSNP rs1791857109, ClinGen allele CA368271199.

ClinVar aggregate classification (germline): Pathogenic/Likely pathogenic. Review status: criteria provided, multiple submitters, no conflicts (2 of 4 stars). 2 submissions from 2 submitters: Pathogenic (1); Likely pathogenic (1). Last evaluated 2024-03-07.

Conditions:
Congenital microcephaly - severe encephalopathy - progressive cerebral atrophy syndrome. Also called: Asparagine synthetase deficiency; ASNS DEFICIENCY. Identifiers: Orphanet 391376, MedGen C3809971, MONDO:0014258, OMIM 615574.

Submissions (2):

Fulgent Genetics
Classification: Likely pathogenic for Congenital microcephaly - severe encephalopathy - progressive cerebral atrophy syndrome. Last evaluated: 2024-03-07. Review status: criteria provided, single submitter. Criteria: ACMG Guidelines, 2015. Collection method: clinical testing. Allele origin: germline.

Labcorp Genetics (formerly Invitae), Labcorp
Classification: Pathogenic. Last evaluated: 2022-02-02. Review status: criteria provided, single submitter. Criteria: Invitae Variant Classification Sherloc (09022015). Collection method: clinical testing. Allele origin: germline.
Comment: This variant has not been reported in the literature in individuals affected with ASNS-related conditions. For these reasons, this variant has been classified as Pathogenic. ClinVar contains an entry for this variant (Variation ID: 843354). This variant is not present in population databases (gnomAD no frequency). This sequence change creates a premature translational stop signal (p.Leu145*) in the ASNS gene. It is expected to result in an absent or disrupted protein product. Loss-of-function variants in ASNS are known to be pathogenic (PMID: 27422383, 30057589).

Literature cited by the submitters: PubMed 27422383 (cited by Labcorp Genetics (formerly Invitae), Labcorp); PubMed 30057589 (cited by Labcorp Genetics (formerly Invitae), Labcorp).